The following is an entry in ClinVar:

NM_201384.3(PLEC):c.4781G>C (p.Arg1594Pro)

Gene: PLEC (plectin; minus strand). Cytogenetic location: 8q24.3.
Variant type: single nucleotide variant.
Coding change: c.4781G>C on transcript NM_201384.3 (MANE Select); coding-DNA position 4781, G replaced by C.
Protein change: p.Arg1594Pro; replaces arginine 1594 with proline.
Molecular consequence: missense variant.
Genome position (GRCh38, 1-based): chr8:143,925,148, C>G on the plus strand (G>C on the coding strand, the complement: PLEC is on the minus strand). VCF-style: chr8-143925148-C-G. GRCh37 (hg19) VCF-style: chr8-144999316-C-G.
Other names: c.4862G>C, p.Arg1621Pro (NM_000445.5); c.4739G>C, p.Arg1580Pro (NM_201378.4); c.4715G>C, p.Arg1572Pro (NM_201379.3); c.5192G>C, p.Arg1731Pro (NM_201380.4); c.4685G>C, p.Arg1562Pro (NM_201381.3); c.4781G>C, p.Arg1594Pro (NM_201382.4); c.4793G>C, p.Arg1598Pro (NM_201383.3); short protein forms R1598P, R1731P, R1580P, R1594P, R1562P, R1572P, R1621P.
Identifiers: ClinVar variation 644045 (VCV000644045.6), dbSNP rs564954644, ClinGen allele CA372553083.
Genomic context (GRCh38, chr8:143,925,148, plus strand): 5'-GCCCGCCGCTCAGCCTCCTCCCGCAGCTGTGCCACAGCCACGTGTTCCTCCTGCAGGGAG[C>G]GCTCCAGCTGTGCCGTCTTCTCGGCGAAGGAGGCGCGTTTGCTCTGCAGCTCCGCCTCTG-3'
Protein context (NP_958786.1, residues 1584-1604): SFAEKTAQLE[Arg1594Pro]SLQEEHVAVA

ClinVar aggregate classification (germline): Uncertain significance (1 of 4 stars; one submission).

Conditions:
Epidermolysis bullosa simplex, Ogna type (EBS5A). Also called: Pidermolysis bullosa simplex 5A, Ogna type; EPIDERMOLYSIS BULLOSA SIMPLEX 5A, OGNA TYPE. Identifiers: Orphanet 79401, MedGen C0432317, MONDO:0007555, OMIM 131950.
Autosomal recessive limb-girdle muscular dystrophy type 2Q (LGMDR17). Also called: MUSCULAR DYSTROPHY, LIMB-GIRDLE, AUTOSOMAL RECESSIVE 17. Identifiers: Orphanet 254361, MedGen C3150989, MONDO:0013390, OMIM 613723.
Epidermolysis bullosa simplex with nail dystrophy (EBS5D). Identifiers: MedGen C4225309, MONDO:0014661, OMIM 616487.
Epidermolysis bullosa simplex 5B, with muscular dystrophy (EBS5B). Also called: Epidermolysis bullosa simplex with muscular dystrophy; EPIDERMOLYSIS BULLOSA SIMPLEX AND LIMB-GIRDLE MUSCULAR DYSTROPHY. Identifiers: Orphanet 257, MedGen C2931072, MONDO:0009181, OMIM 226670.
Epidermolysis bullosa simplex 5C, with pyloric atresia (EBS5C). Also called: PLEC-Related Epidermolysis Bullosa with Pyloric Atresia; Epidermolysis bullosa simplex with pyloric atresia; PLEC1-Related Epidermolysis Bullosa with Pyloric Atresia. Identifiers: Orphanet 158684, MedGen C2677349, MONDO:0012807, OMIM 612138.

gnomAD v4.1: 30 of 1,558,264 alleles (0.0019%); highest among the groups gnomAD compares: Non-Finnish European, 0.0026%; no homozygotes.

Submission:

Labcorp Genetics (formerly Invitae), Labcorp
Classification: Uncertain significance for Autosomal recessive limb-girdle muscular dystrophy type 2Q; Epidermolysis bullosa simplex, Ogna type; Epidermolysis bullosa simplex with nail dystrophy; Epidermolysis bullosa simplex 5C, with pyloric atresia; Epidermolysis bullosa simplex 5B, with muscular dystrophy. Last evaluated: 2022-05-30. Review status: criteria provided, single submitter. Criteria: Invitae Variant Classification Sherloc (09022015). Collection method: clinical testing. Allele origin: germline.
Comment: This sequence change replaces arginine, which is basic and polar, with proline, which is neutral and non-polar, at codon 1621 of the PLEC protein (p.Arg1621Pro). This variant is not present in population databases (gnomAD no frequency). This variant has not been reported in the literature in individuals affected with PLEC-related conditions. ClinVar contains an entry for this variant (Variation ID: 644045). Algorithms developed to predict the effect of missense changes on protein structure and function are either unavailable or do not agree on the potential impact of this missense change (SIFT: "Deleterious"; PolyPhen-2: "Not Available"; Align-GVGD: "Class C15"). In summary, the available evidence is currently insufficient to determine the role of this variant in disease. Therefore, it has been classified as a Variant of Uncertain Significance.